The following is an entry in ClinVar:

NM_001145715.3(KPNA7):c.649C>T (p.Arg217Trp)

Gene: KPNA7 (karyopherin subunit alpha 7; minus strand). Cytogenetic location: 7q22.1.
Variant type: single nucleotide variant.
Coding change: c.649C>T on transcript NM_001145715.3 (MANE Select); coding-DNA position 649, C replaced by T.
Protein change: p.Arg217Trp; replaces arginine 217 with tryptophan.
Molecular consequence: missense variant.
Genome position (GRCh38, 1-based): chr7:99,188,551, G>A on the plus strand (C>T on the coding strand, the complement: KPNA7 is on the minus strand). VCF-style: chr7-99188551-G-A. GRCh37 (hg19) VCF-style: chr7-98786174-G-A.
Other names: short protein forms R217W.
Identifiers: ClinVar variation 409801 (VCV000409801.8), dbSNP rs746487289, ClinGen allele CA4363205.

ClinVar aggregate classification (germline): Uncertain significance (1 of 4 stars; one submission).

Allele frequency attached by ClinVar (database versions not stated): gnomAD exomes 0.00009 and 0.00016; gnomAD 0.00015 and 0.00016; TOPMed 0.00015; ExAC 0.00024.
gnomAD v4.1: 237 of 1,551,184 alleles (0.015%); highest among the groups gnomAD compares: Non-Finnish European, 0.018%; 1 homozygote.

Submission:

Labcorp Genetics (formerly Invitae), Labcorp
Classification: Uncertain significance. Last evaluated: 2026-01-05. Review status: criteria provided, single submitter. Criteria: Invitae Variant Classification Sherloc (09022015). Collection method: clinical testing. Allele origin: germline.
Comment: This sequence change replaces arginine, which is basic and polar, with tryptophan, which is neutral and slightly polar, at codon 217 of the KPNA7 protein (p.Arg217Trp). This variant is present in population databases (rs746487289, gnomAD 0.03%). This variant has not been reported in the literature in individuals affected with KPNA7-related conditions. ClinVar contains an entry for this variant (Variation ID: 409801). Invitae Evidence Modeling of protein sequence and biophysical properties (such as structural, functional, and spatial information, amino acid conservation, physicochemical variation, residue mobility, and thermodynamic stability) indicates that this missense variant is expected to disrupt KPNA7 protein function with a positive predictive value of 80%. In summary, the available evidence is currently insufficient to determine the role of this variant in disease. Therefore, it has been classified as a Variant of Uncertain Significance.